The following is an entry in ClinVar:

ClinVar aggregate classification (germline): Uncertain significance (1 of 4 stars; one submission).

Submission:

GeneDx
Classification: Uncertain significance. Last evaluated: 2025-04-26. Review status: criteria provided, single submitter. Criteria: GeneDx Variant Classification Process June 2021. Collection method: clinical testing. Allele origin: germline.
Comment: Not observed at significant frequency in large population cohorts (gnomAD); In silico analysis supports that this missense variant has a deleterious effect on protein structure/function; Has not been previously published as pathogenic or benign to our knowledge

NM_000719.7(CACNA1C):c.3251C>T (p.Pro1084Leu)

Gene: CACNA1C (calcium voltage-gated channel subunit alpha1 C; plus strand). Cytogenetic location: 12p13.33.
Variant type: single nucleotide variant.
Coding change: c.3251C>T on transcript NM_000719.7 (MANE Select); coding-DNA position 3251, C replaced by T.
Protein change: p.Pro1084Leu; replaces proline 1084 with leucine.
Molecular consequence: missense variant.
Genome position (GRCh38, 1-based): chr12:2,607,025, C>T. VCF-style: chr12-2607025-C-T. GRCh37 (hg19) VCF-style: chr12-2716191-C-T.
Other names: c.3311C>T, p.Pro1104Leu (NM_001129827.2, NM_001129832.2, NM_199460.4); c.3251C>T, p.Pro1084Leu (NM_001129829.2, NM_001129830.3, NM_001129831.2 and 15 more transcripts); c.3242C>T, p.Pro1081Leu (NM_001129844.2); short protein forms P1081L, P1084L, P1104L.
Identifiers: ClinVar variation 3367623 (VCV003367623.2).